The following is an entry in ClinVar:

ClinVar aggregate classification (germline): Uncertain significance (1 of 4 stars; one submission).

Conditions:
Muscle AMP deaminase deficiency (MMDD). Also called: Myoadenylate deaminase deficiency, myopathy due to; AMPD1 DEFICIENCY; ADENOSINE MONOPHOSPHATE DEAMINASE-1 DEFICIENCY, MYOPATHY DUE TO; Adenosine monophosphate deaminase 1 deficiency; AMP deaminase 1 deficiency; Adenosine Monophosphate Deaminase 1. Identifiers: Orphanet 45, MedGen C3714933, MONDO:0014220, OMIM 615511.

Allele frequency attached by ClinVar (database versions not stated): gnomAD exomes 0.00001; ExAC 0.00002; gnomAD 0.00002; TOPMed 0.00002.
gnomAD v4.1: 23 of 1,613,964 alleles (0.0014%); highest among the groups gnomAD compares: Admixed American, 0.005%; no homozygotes.

Submission:

Labcorp Genetics (formerly Invitae), Labcorp
Classification: Uncertain significance for Muscle AMP deaminase deficiency. Last evaluated: 2022-07-20. Review status: criteria provided, single submitter. Criteria: Invitae Variant Classification Sherloc (09022015). Collection method: clinical testing. Allele origin: germline.
Comment: This sequence change creates a premature translational stop signal (p.Arg229*) in the AMPD1 gene. It is expected to result in an absent or disrupted protein product. However, the current clinical and genetic evidence is not sufficient to establish whether loss-of-function variants in AMPD1 cause disease. This variant is present in population databases (rs775029965, gnomAD 0.004%). This variant has not been reported in the literature in individuals affected with AMPD1-related conditions. In summary, the available evidence is currently insufficient to determine the role of this variant in disease. Therefore, it has been classified as a Variant of Uncertain Significance.

NM_000036.3(AMPD1):c.586C>T (p.Arg196Ter)

Gene: AMPD1 (adenosine monophosphate deaminase 1; minus strand). Cytogenetic location: 1p13.2.
Variant type: single nucleotide variant.
Coding change: c.586C>T on transcript NM_000036.3 (MANE Select); coding-DNA position 586, C replaced by T.
Protein change: p.Arg196Ter; replaces arginine 196 with a stop codon.
Molecular consequence: nonsense.
Genome position (GRCh38, 1-based): chr1:114,680,440, G>A on the plus strand (C>T on the coding strand, the complement: AMPD1 is on the minus strand). VCF-style: chr1-114680440-G-A. GRCh37 (hg19) VCF-style: chr1-115223061-G-A.
Other names: c.574C>T, p.Arg192Ter (NM_001172626.2); short protein forms R196*, R192*.
Identifiers: ClinVar variation 2185455 (VCV002185455.1), dbSNP rs775029965, ClinGen allele CA1020366.